The following is an entry in ClinVar:

NM_002241.5(KCNJ10):c.*1032G>A

Gene: KCNJ10 (potassium inwardly rectifying channel subfamily J member 10; minus strand). Cytogenetic location: 1q23.2.
Variant type: single nucleotide variant.
Coding change: c.*1032G>A on transcript NM_002241.5 (MANE Select); 1032 bases downstream of the stop codon, G replaced by A.
Molecular consequence: 3 prime UTR variant.
Genome position (GRCh38, 1-based): chr1:160,040,361, C>T on the plus strand (G>A on the coding strand, the complement: KCNJ10 is on the minus strand). VCF-style: chr1-160040361-C-T. GRCh37 (hg19) VCF-style: chr1-160010151-C-T.
Identifiers: ClinVar variation 874513 (VCV000874513.5), dbSNP rs17375748, ClinGen allele CA10989097.

ClinVar aggregate classification (germline): Benign/Likely benign. Review status: criteria provided, multiple submitters, no conflicts (2 of 4 stars). 3 submissions from 2 submitters: Benign (1); Likely benign (2). Last evaluated 2018-01-12.

Conditions:
Autosomal recessive nonsyndromic hearing loss 4 (DFNB4). Also called: Deafness, autosomal recessive 4; NEUROSENSORY NONSYNDROMIC RECESSIVE DEAFNESS 4; FOXI1-Related Pendred Syndrome; KCNJ10-Related Pendred Syndrome; DEAFNESS, AUTOSOMAL RECESSIVE 4, WITH ENLARGED VESTIBULAR AQUEDUCT, DIGENIC; Nonsyndromic enlarged vestibular aqueduct (NSEVA). Identifiers: Orphanet 90636, MedGen C3538946, MONDO:0010933, OMIM 600791.
EAST syndrome (SESAMES). Also called: SEIZURES, SENSORINEURAL DEAFNESS, ATAXIA, IMPAIRED INTELLECTUAL DEVELOPMENT, AND ELECTROLYTE IMBALANCE. Identifiers: Orphanet 199343, MedGen C2748572, MONDO:0013005, OMIM 612780.

Allele frequency attached by ClinVar (database versions not stated): 1000 Genomes Project 0.02436; 1000 Genomes Project 30x 0.02608; TOPMed 0.04351; gnomAD 0.04463 and 0.04538; gnomAD exomes 0.05976.
gnomAD v4.1: 21,161 of 393,616 alleles (5.4%); highest among the groups gnomAD compares: Non-Finnish European, 7%; 707 homozygotes.

Submissions (3):

Illumina Laboratory Services, Illumina
Classification: Benign for EAST syndrome. Last evaluated: 2018-01-12. Review status: criteria provided, single submitter. Criteria: ICSL Variant Classification Criteria 13 December 2019. Collection method: clinical testing. Allele origin: germline.
Comment: This variant was observed in the ICSL laboratory as part of a predisposition screen in an ostensibly healthy population. It had not been previously curated by ICSL or reported in the Human Gene Mutation Database (HGMD: prior to June 1st, 2018), and was therefore a candidate for classification through an automated scoring system. Utilizing variant allele frequency, disease prevalence and penetrance estimates, and inheritance mode, an automated score was calculated to assess if this variant is too frequent to cause the disease. Based on the score and internal cut-off values, a variant classified as benign is not then subjected to further curation. The score for this variant resulted in a classification of benign for this disease.

Illumina Laboratory Services, Illumina
Classification: Likely benign for Autosomal recessive nonsyndromic hearing loss 4. Last evaluated: 2018-01-12. Review status: criteria provided, single submitter. Criteria: ICSL Variant Classification Criteria 13 December 2019. Collection method: clinical testing. Allele origin: germline.
Comment: This variant was observed in the ICSL laboratory as part of a predisposition screen in an ostensibly healthy population. It had not been previously curated by ICSL or reported in the Human Gene Mutation Database (HGMD: prior to June 1st, 2018), and was therefore a candidate for classification through an automated scoring system. Utilizing variant allele frequency, disease prevalence and penetrance estimates, and inheritance mode, an automated score was calculated to assess if this variant is too frequent to cause the disease. Based on the score and internal cut-off values, a variant classified as likely benign is not then subjected to further curation. The score for this variant resulted in a classification of likely benign for this disease.

Breakthrough Genomics
Classification: Likely benign. Review status: criteria provided, single submitter. Criteria: ACMG Guidelines, 2015. Collection method: not provided. Allele origin: germline. Inheritance: Autosomal recessive inheritance. Affected: yes.